The following is an entry in ClinVar:

ClinVar aggregate classification (germline): Likely benign. Review status: criteria provided, multiple submitters, no conflicts (2 of 4 stars). 3 submissions from 3 submitters: Likely benign (3). Last evaluated 2023-04-28.

Conditions:
Cardiomyopathy (CMYO). Also called: Cardiomyopathies. Identifiers: Orphanet 167848, MedGen C0878544, MONDO:0004994, HP:0001638. Inheritance: Various modes of inheritance.
Lethal congenital glycogen storage disease of heart. Also called: GLYCOGEN STORAGE DISEASE OF HEART; PHOSPHORYLASE KINASE DEFICIENCY OF HEART. Identifiers: Orphanet 439854, MedGen C1849813, MONDO:0009867, OMIM 261740.
Hypertrophic cardiomyopathy. Also called: HYPERTROPHIC MYOCARDIOPATHY. Identifiers: Orphanet 217569, MedGen C0007194, MeSH D002312, MONDO:0005045, HP:0001639.

Allele frequency attached by ClinVar (database versions not stated): gnomAD exomes below 0.00001.
gnomAD v4.1: 4 of 1,613,926 alleles (0.00025%); highest among the groups gnomAD compares: Non-Finnish European, 0.00034%; no homozygotes.

Submissions (3):

All of Us Research Program, National Institutes of Health
Classification: Likely benign for Hypertrophic cardiomyopathy. Last evaluated: 2023-04-28. Review status: criteria provided, single submitter. Criteria: ACMG Guidelines, 2015. Collection method: clinical testing. Allele origin: germline. Inheritance: Autosomal dominant inheritance. Observed: 1 variant allele, 1 heterozygote.
Comment: This study involves interpretation of variants in research participants for the purpose of population health screening. Participant phenotype was not available at the time of variant classification. Additional details can be found in publication PMID: 35346344, PMCID: PMC8962531

Color Diagnostics, LLC DBA Color Health
Classification: Likely benign for Cardiomyopathy. Last evaluated: 2022-11-06. Review status: criteria provided, single submitter. Criteria: ACMG Guidelines, 2015. Collection method: clinical testing. Allele origin: germline.

Labcorp Genetics (formerly Invitae), Labcorp
Classification: Likely benign for Lethal congenital glycogen storage disease of heart. Last evaluated: 2022-03-11. Review status: criteria provided, single submitter. Criteria: Invitae Variant Classification Sherloc (09022015). Collection method: clinical testing. Allele origin: germline.

NM_016203.4(PRKAG2):c.777T>C (p.Gly259=)

Gene: PRKAG2 (protein kinase AMP-activated non-catalytic subunit gamma 2; minus strand). Cytogenetic location: 7q36.1.
Variant type: single nucleotide variant.
Coding change: c.777T>C on transcript NM_016203.4 (MANE Select); coding-DNA position 777, T replaced by C.
Protein change: p.Gly259=; no amino-acid change (glycine 259 retained).
Molecular consequence: synonymous variant.
Genome position (GRCh38, 1-based): chr7:151,595,432, A>G on the plus strand (T>C on the coding strand, the complement: PRKAG2 is on the minus strand). VCF-style: chr7-151595432-A-G. GRCh37 (hg19) VCF-style: chr7-151292518-A-G.
Other names: c.645T>C, p.Gly215= (NM_001040633.2, NM_001407024.1); c.402T>C, p.Gly134= (NM_001304527.2, NM_001407029.1); c.54T>C, p.Gly18= (NM_001304531.2, NM_001407034.1, NM_001407035.1 and 1 more transcripts); c.405T>C, p.Gly135= (NM_001363698.2, NM_001407028.1); c.777T>C, p.Gly259= (NM_001407021.1); c.774T>C, p.Gly258= (NM_001407022.1, NM_001407023.1); c.642T>C, p.Gly214= (NM_001407026.1, NM_001407027.1); c.489T>C, p.Gly163= (NM_001407030.1); and 6 more.
Identifiers: ClinVar variation 1921779 (VCV001921779.6), dbSNP rs1306812237, ClinGen allele CA458670465.